The following is an entry in ClinVar:

NM_002439.5(MSH3):c.3323C>T (p.Ala1108Val)

Gene: MSH3 (mutS homolog 3; plus strand). Cytogenetic location: 5q14.1.
Variant type: single nucleotide variant.
Coding change: c.3323C>T on transcript NM_002439.5 (MANE Select); coding-DNA position 3323, C replaced by T.
Protein change: p.Ala1108Val; replaces alanine 1108 with valine.
Molecular consequence: missense variant.
Genome position (GRCh38, 1-based): chr5:80,875,771, C>T. VCF-style: chr5-80875771-C-T. GRCh37 (hg19) VCF-style: chr5-80171590-C-T.
Other names: short protein forms A1108V.
Identifiers: ClinVar variation 3296266 (VCV003296266.1).

ClinVar aggregate classification (germline): Uncertain significance (1 of 4 stars; one submission).

Conditions:
Hereditary cancer-predisposing syndrome. Also called: Tumor predisposition; Hereditary Cancer Syndrome; Hereditary neoplastic syndrome; Neoplastic Syndromes, Hereditary. Identifiers: Orphanet 140162, MedGen C0027672, MeSH D009386, MONDO:0015356.

Submission:

Ambry Genetics
Classification: Uncertain significance for Hereditary cancer-predisposing syndrome. Last evaluated: 2024-03-25. Review status: criteria provided, single submitter. Criteria: Ambry Variant Classification Scheme 2023. Collection method: clinical testing. Allele origin: germline.
Comment: The p.A1108V variant (also known as c.3323C>T), located in coding exon 24 of the MSH3 gene, results from a C to T substitution at nucleotide position 3323. The alanine at codon 1108 is replaced by valine, an amino acid with similar properties. This amino acid position is conserved. In addition, this alteration is predicted to be tolerated by in silico analysis. Based on the available evidence, the clinical significance of this alteration remains unclear.